The following is an entry in ClinVar:

NM_032444.4(SLX4):c.3650A>G (p.Glu1217Gly)

Gene: SLX4 (SLX4 structure-specific endonuclease subunit; minus strand). Cytogenetic location: 16p13.3.
Variant type: single nucleotide variant.
Coding change: c.3650A>G on transcript NM_032444.4 (MANE Select); coding-DNA position 3650, A replaced by G.
Protein change: p.Glu1217Gly; replaces glutamic acid 1217 with glycine.
Molecular consequence: missense variant.
Genome position (GRCh38, 1-based): chr16:3,589,988, T>C on the plus strand (A>G on the coding strand, the complement: SLX4 is on the minus strand). VCF-style: chr16-3589988-T-C. GRCh37 (hg19) VCF-style: chr16-3639989-T-C.
Other names: short protein forms E1217G.
Identifiers: ClinVar variation 1512184 (VCV001512184.8), dbSNP rs761680381, ClinGen allele CA7865879.

ClinVar aggregate classification (germline): Uncertain significance (1 of 4 stars; one submission).

Conditions:
Fanconi anemia (FA). Also called: Fanconi's anemia. Identifiers: Orphanet 84, MedGen C0015625, MeSH D005199, MONDO:0019391.

Allele frequency attached by ClinVar (database versions not stated): gnomAD exomes 0.00001; TOPMed 0.00001; ExAC 0.00002.

Submission:

Labcorp Genetics (formerly Invitae), Labcorp
Classification: Uncertain significance for Fanconi anemia. Last evaluated: 2023-02-09. Review status: criteria provided, single submitter. Criteria: Invitae Variant Classification Sherloc (09022015). Collection method: clinical testing. Allele origin: germline.
Comment: In summary, the available evidence is currently insufficient to determine the role of this variant in disease. Therefore, it has been classified as a Variant of Uncertain Significance. Algorithms developed to predict the effect of missense changes on protein structure and function output the following: SIFT: "Tolerated"; PolyPhen-2: "Benign"; Align-GVGD: "Class C0". The glycine amino acid residue is found in multiple mammalian species, which suggests that this missense change does not adversely affect protein function. ClinVar contains an entry for this variant (Variation ID: 1512184). This variant has not been reported in the literature in individuals affected with SLX4-related conditions. This variant is present in population databases (rs761680381, gnomAD 0.002%). This sequence change replaces glutamic acid, which is acidic and polar, with glycine, which is neutral and non-polar, at codon 1217 of the SLX4 protein (p.Glu1217Gly).